The following is an entry in ClinVar:

NM_018417.6(ADCY10):c.1354G>A (p.Gly452Ser)

Genes: ADCY10 (adenylate cyclase 10; minus strand), DCAF6 (DDB1 and CUL4 associated factor 6; plus strand). Cytogenetic location: 1q24.2.
Variant type: single nucleotide variant.
Coding change: c.1354G>A on transcript NM_018417.6 (MANE Select); coding-DNA position 1354, G replaced by A.
Protein change: p.Gly452Ser; replaces glycine 452 with serine.
Molecular consequence: missense variant.
Genome position (GRCh38, 1-based): chr1:167,878,498, C>T on the plus strand (G>A on the coding strand, the complement: ADCY10 is on the minus strand). VCF-style: chr1-167878498-C-T. GRCh37 (hg19) VCF-style: chr1-167847736-C-T.
Other names: c.895G>A, p.Gly299Ser (NM_001167749.3); c.1078G>A, p.Gly360Ser (NM_001297772.2); short protein forms G299S, G360S, G452S.
Identifiers: ClinVar variation 1398532 (VCV001398532.6), dbSNP rs747117539, ClinGen allele CA1227978.
Genomic context (GRCh38, chr1:167,878,498, plus strand): 5'-ACACTCACACTTTCTCAGTACGGCCCCAATACTGATACAATGGTCCAGAATCTGCAACAC[C>T]TTTCATAACTTTCTTTGGAAGCTCTTTAAAAAAGTACGCTGGTAGGTTGCTCCCATTGTA-3'
Protein context (NP_060887.2, residues 442-462): FKELPKKVMK[Gly452Ser]VADSGPLYQY

ClinVar aggregate classification (germline): Uncertain significance (1 of 4 stars; one submission).

Allele frequency attached by ClinVar (database versions not stated): TOPMed below 0.00001; ExAC 0.00001; gnomAD 0.00001; gnomAD exomes 0.00001.
gnomAD v4.1: 13 of 1,614,050 alleles (0.00081%); highest among the groups gnomAD compares: Non-Finnish European, 0.0011%; no homozygotes.

Submission:

Labcorp Genetics (formerly Invitae), Labcorp
Classification: Uncertain significance. Last evaluated: 2022-05-11. Review status: criteria provided, single submitter. Criteria: Invitae Variant Classification Sherloc (09022015). Collection method: clinical testing. Allele origin: germline.
Comment: Algorithms developed to predict the effect of missense changes on protein structure and function are either unavailable or do not agree on the potential impact of this missense change (SIFT: "Deleterious"; PolyPhen-2: "Probably Damaging"; Align-GVGD: "Class C0"). This variant has not been reported in the literature in individuals affected with ADCY10-related conditions. This variant is present in population databases (rs747117539, gnomAD 0.003%). This sequence change replaces glycine, which is neutral and non-polar, with serine, which is neutral and polar, at codon 452 of the ADCY10 protein (p.Gly452Ser). In summary, the available evidence is currently insufficient to determine the role of this variant in disease. Therefore, it has been classified as a Variant of Uncertain Significance. Algorithms developed to predict the effect of sequence changes on RNA splicing suggest that this variant may disrupt the consensus splice site.